The following is an entry in ClinVar:

NM_000981.4(RPL19):c.101A>G (p.Asn34Ser)

Gene: RPL19 (ribosomal protein L19; plus strand). Cytogenetic location: 17q12.
Variant type: single nucleotide variant.
Coding change: c.101A>G on transcript NM_000981.4 (MANE Select); coding-DNA position 101, A replaced by G.
Protein change: p.Asn34Ser; replaces asparagine 34 with serine.
Molecular consequence: missense variant.
Genome position (GRCh38, 1-based): chr17:39,201,308, A>G. VCF-style: chr17-39201308-A-G. GRCh37 (hg19) VCF-style: chr17-37357561-A-G.
Other names: c.95A>G, p.Asn32Ser (NM_001330200.1); short protein forms N32S, N34S.
Identifiers: ClinVar variation 1438797 (VCV001438797.8), dbSNP rs755138997, ClinGen allele CA8528821.

ClinVar aggregate classification (germline): Uncertain significance (1 of 4 stars; one submission).

Allele frequency attached by ClinVar (database versions not stated): gnomAD exomes below 0.00001 and 0.00001; ExAC 0.00001; gnomAD 0.00001 and 0.00002; TOPMed 0.00002.
gnomAD v4.1: 11 of 1,602,974 alleles (0.00069%); highest among the groups gnomAD compares: Non-Finnish European, 0.00094%; no homozygotes.

Submission:

Labcorp Genetics (formerly Invitae), Labcorp
Classification: Uncertain significance. Last evaluated: 2023-09-30. Review status: criteria provided, single submitter. Criteria: Invitae Variant Classification Sherloc (09022015). Collection method: clinical testing. Allele origin: germline.
Comment: This sequence change replaces asparagine, which is neutral and polar, with serine, which is neutral and polar, at codon 34 of the RPL19 protein (p.Asn34Ser). This variant is present in population databases (rs755138997, gnomAD 0.0009%). This variant has not been reported in the literature in individuals affected with RPL19-related conditions. ClinVar contains an entry for this variant (Variation ID: 1438797). An algorithm developed to predict the effect of missense changes on protein structure and function (PolyPhen-2) suggests that this variant is likely to be tolerated. In summary, the available evidence is currently insufficient to determine the role of this variant in disease. Therefore, it has been classified as a Variant of Uncertain Significance.